The following is an entry in ClinVar:

NC_000002.11:g.(32341282_32352016)_(32382707_?)dup

Gene: SPAST (spastin; plus strand). Cytogenetic location: 2p22.3.
Variant type: Duplication.
Identifiers: ClinVar variation 3896134 (VCV003896134.2).

ClinVar aggregate classification (germline): Uncertain significance (1 of 4 stars; one submission).

Submission:

Women's Health and Genetics/Laboratory Corporation of America, LabCorp
Classification: Uncertain significance. Last evaluated: 2025-04-22. Review status: criteria provided, single submitter. Criteria: LabCorp Variant Classification Summary - May 2015. Collection method: clinical testing. Allele origin: germline.
Comment: Variant summary: The variant involves the duplication of exons 8-17 in the SPAST gene. A presumed nomenclature of c.(1098+1_1099-1)_(*3142_?)dup has been designated for the purposes of this classification. The exact breakpoint at the 3' end of this variant is unknown, therefore this duplication may extend downstream of the annotated region of the gene. As it duplicates the termination codon, its effect on the encoded protein is unknown. The variant was absent in 21694 control chromosomes. The available data on variant occurrences in the general population are insufficient to allow any conclusion about variant significance. To our knowledge, no occurrence of c.(1098+1_1099-1)_(*3142_?)dup in individuals affected with Spastic Paraplegia 4, Autosomal Dominant and no experimental evidence demonstrating its impact on protein function have been reported. ClinVar contains an entry for this variant (Variation ID: 3247327). No submitters have cited clinical-significance assessments for this variant to ClinVar. Based on the evidence outlined above, the variant was classified as uncertain significance.